The following is an entry in ClinVar:

NM_001353214.3(DYM):c.1969C>T (p.Arg657Trp)

Gene: DYM (dymeclin; minus strand). Cytogenetic location: 18q21.1.
Variant type: single nucleotide variant.
Coding change: c.1969C>T on transcript NM_001353214.3 (MANE Select); coding-DNA position 1969, C replaced by T.
Protein change: p.Arg657Trp; replaces arginine 657 with tryptophan.
Molecular consequence: missense variant. On other transcripts: intron variant (3).
Genome position (GRCh38, 1-based): chr18:49,097,458, G>A on the plus strand (C>T on the coding strand, the complement: DYM is on the minus strand). VCF-style: chr18-49097458-G-A. GRCh37 (hg19) VCF-style: chr18-46623828-G-A.
Other names: c.1801C>T, p.Arg601Trp (NM_001353210.3, NM_001353211.3); c.1966C>T, p.Arg656Trp (NM_001353212.3, NM_001353213.3); c.1786C>T, p.Arg596Trp (NM_001353215.3); c.1621C>T, p.Arg541Trp (NM_001353216.3, NM_001374437.1); c.1969C>T, p.Arg657Trp (NM_001374428.1, NM_001374430.1); c.1963C>T, p.Arg655Trp (NM_001374429.1); c.1843C>T, p.Arg615Trp (NM_001374432.1); c.1804C>T, p.Arg602Trp (NM_001374433.1, NM_017653.6); and 11 more; short protein forms R411W, R541W, R560W, R602W, R526W, R615W, R656W, R351W.
Identifiers: ClinVar variation 2983133 (VCV002983133.3), dbSNP rs781551662, ClinGen allele CA8957955.

ClinVar aggregate classification (germline): Uncertain significance (1 of 4 stars; one submission).

Allele frequency attached by ClinVar (database versions not stated): ExAC 0.00001.
gnomAD v4.1: 12 of 1,614,056 alleles (0.00074%); highest among the groups gnomAD compares: South Asian, 0.0011%; no homozygotes.

Submission:

Labcorp Genetics (formerly Invitae), Labcorp
Classification: Uncertain significance. Last evaluated: 2023-04-02. Review status: criteria provided, single submitter. Criteria: Invitae Variant Classification Sherloc (09022015). Collection method: clinical testing. Allele origin: germline.
Comment: This sequence change replaces arginine, which is basic and polar, with tryptophan, which is neutral and slightly polar, at codon 602 of the DYM protein (p.Arg602Trp). This variant is present in population databases (rs781551662, gnomAD 0.0009%). This variant has not been reported in the literature in individuals affected with DYM-related conditions. Advanced modeling of protein sequence and biophysical properties (such as structural, functional, and spatial information, amino acid conservation, physicochemical variation, residue mobility, and thermodynamic stability) performed at Invitae indicates that this missense variant is not expected to disrupt DYM protein function. In summary, the available evidence is currently insufficient to determine the role of this variant in disease. Therefore, it has been classified as a Variant of Uncertain Significance.